The following is an entry in ClinVar:

ClinVar aggregate classification (germline): Benign/Likely benign. Review status: criteria provided, multiple submitters, no conflicts (2 of 4 stars). 4 submissions from 4 submitters: Benign (1); Likely benign (2). 1 of the submissions does not count toward it. Last evaluated 2025-02-16.

Conditions:
IL6ST-related disorder. Also called: IL6ST-related condition.

Submissions (4):

Laboratory of Genetics, Children's Clinical University Hospital Latvia
Classification: Likely benign. Last evaluated: 2025-02-16. Review status: criteria provided, single submitter. Criteria: ACMG Guidelines, 2015. Collection method: clinical testing. Allele origin: germline. Affected: yes.

Blueprint Genetics
Classification: Likely benign. Last evaluated: 2024-11-21. Review status: criteria provided, single submitter. Criteria: ACMG Guidelines, 2015. Collection method: clinical testing. Allele origin: germline.

Mayo Clinic Laboratories, Mayo Clinic
Classification: Benign. Last evaluated: 2024-05-10. Review status: criteria provided, single submitter. Criteria: ACMG Guidelines, 2015. Collection method: clinical testing. Allele origin: germline. Observed: 3 variant alleles.
Comment: BA1, BP4, BP7

PreventionGenetics, part of Exact Sciences
Classification: Likely benign for IL6ST-related condition. Last evaluated: 2020-10-06. Review status: no assertion criteria provided. Collection method: clinical testing. Allele origin: germline. Not counted in ClinVar's aggregate classification.
Comment: This variant is classified as likely benign based on ACMG/AMP sequence variant interpretation guidelines (Richards et al. 2015 PMID: 25741868, with internal and published modifications).

NM_002184.4(IL6ST):c.1841-6_1841-4dup

Gene: IL6ST (interleukin 6 cytokine family signal transducer; minus strand). Cytogenetic location: 5q11.2.
Variant type: Duplication.
Coding change: c.1841-6_1841-4dup on transcript NM_002184.4 (MANE Select); 6 bases into the intron before coding-DNA position 1841 through 4 bases into the intron before coding-DNA position 1841, 3 bases duplicated (TTT; older notation c.1841-6_1841-4dupTTT).
Molecular consequence: intron variant.
Genome position (GRCh38, 1-based): chr5:55,947,593-55,947,595, AAA duplicated on the plus strand (TTT on the coding strand, the reverse complement: IL6ST is on the minus strand); duplicating any 3 consecutive bases within chr5:55,947,593-55,947,617 gives the same sequence; the c. name uses the placement nearest the transcript's 3' end. VCF-style (leftmost placement, unchanged base first): chr5-55947592-T-TAAA. GRCh37 (hg19) VCF-style: chr5-55243420-T-TAAA.
Other names: p.?; c.1631-6_1631-4dup (NM_001364276.2); c.845-6_845-4dup (NM_001364279.2); c.938-6_938-4dup (NM_001364278.2); c.974-6_974-4dup (NM_001364277.2); c.*768-6_*768-4dup (NM_175767.3); c.1658-6_1658-4dup (NM_001190981.2); c.1739-6_1739-4dup (NM_001364275.2).
Identifiers: ClinVar variation 3042210 (VCV003042210.5), dbSNP rs71602925, ClinGen allele CA444208796.